The following is an entry in ClinVar:

ClinVar aggregate classification (germline): Likely benign. Review status: criteria provided, multiple submitters, no conflicts (2 of 4 stars). 3 submissions from 3 submitters: Likely benign (3). Last evaluated 2026-02-03.

Conditions:
Leukocyte adhesion deficiency 1 (LAD1). Also called: LEUKOCYTE ADHESION DEFICIENCY, TYPE I; LAD 1; Lymphocyte function-associated antigen 1 immunodeficiency; LFA 1 immunodeficiency. Identifiers: Orphanet 2968, Orphanet 99842, MedGen C0398738, MONDO:0007293, OMIM 116920.

Allele frequency attached by ClinVar (database versions not stated): gnomAD exomes 0.00011 and 0.00031; ExAC 0.00036; TOPMed 0.00085; gnomAD 0.00096 and 0.00098; ESP Exome Variant Server 0.00108; 1000 Genomes Project 0.00180; 1000 Genomes Project 30x 0.00187.
gnomAD v4.1: 322 of 1,614,028 alleles (0.02%); highest among the groups gnomAD compares: African/African-American, 0.3%; 1 homozygote.

Submissions (3):

Women's Health and Genetics/Laboratory Corporation of America, LabCorp
Classification: Likely benign. Last evaluated: 2026-02-03. Review status: criteria provided, single submitter. Criteria: LabCorp Variant Classification Summary - May 2015. Collection method: clinical testing. Allele origin: germline.
Comment: Variant summary: ITGB2 c.2189G>A (p.Ser730Asn) results in a conservative amino acid change in the encoded protein sequence. Algorithms developed to predict the effect of missense changes on protein structure and function all suggest that this variant is likely to be tolerated. The variant allele was found at a frequency of 0.00031 in 251398 control chromosomes, predominantly at a frequency of 0.0038 within the African or African-American subpopulation in the gnomAD database, including 1 homozygotes. The observed variant frequency within African or African-American control individuals in the gnomAD database exceeds the estimated maximal expected allele frequency for disease-causing variants in ITGB2. To our knowledge, no occurrence of c.2189G>A in individuals affected with ITGB2-related conditions and no experimental evidence demonstrating its impact on protein function have been reported. ClinVar contains an entry for this variant (Variation ID: 733274). Based on the evidence outlined above, the variant was classified as likely benign.

Labcorp Genetics (formerly Invitae), Labcorp
Classification: Likely benign for Leukocyte adhesion deficiency 1. Last evaluated: 2026-01-24. Review status: criteria provided, single submitter. Criteria: Invitae Variant Classification Sherloc (09022015). Collection method: clinical testing. Allele origin: germline.

Illumina Laboratory Services, Illumina
Classification: Likely benign for Leukocyte adhesion deficiency 1. Last evaluated: 2018-01-13. Review status: criteria provided, single submitter. Criteria: ICSL Variant Classification Criteria 13 December 2019. Collection method: clinical testing. Allele origin: germline.
Comment: This variant was observed in the ICSL laboratory as part of a predisposition screen in an ostensibly healthy population. It had not been previously curated by ICSL or reported in the Human Gene Mutation Database (HGMD: prior to June 1st, 2018), and was therefore a candidate for classification through an automated scoring system. Utilizing variant allele frequency, disease prevalence and penetrance estimates, and inheritance mode, an automated score was calculated to assess if this variant is too frequent to cause the disease. Based on the score and internal cut-off values, a variant classified as likely benign is not then subjected to further curation. The score for this variant resulted in a classification of likely benign for this disease.

NM_000211.5(ITGB2):c.2189G>A (p.Ser730Asn)

Gene: ITGB2 (integrin subunit beta 2; minus strand). Cytogenetic location: 21q22.3.
Variant type: single nucleotide variant.
Coding change: c.2189G>A on transcript NM_000211.5 (MANE Select); coding-DNA position 2189, G replaced by A.
Protein change: p.Ser730Asn; replaces serine 730 with asparagine.
Molecular consequence: missense variant.
Genome position (GRCh38, 1-based): chr21:44,886,794, C>T on the plus strand (G>A on the coding strand, the complement: ITGB2 is on the minus strand). VCF-style: chr21-44886794-C-T. GRCh37 (hg19) VCF-style: chr21-46306709-C-T.
Other names: c.2189G>A, p.Ser730Asn (NM_001127491.3); c.1982G>A, p.Ser661Asn (NM_001303238.2); short protein forms S730N, S661N.
Identifiers: ClinVar variation 733274 (VCV000733274.16), dbSNP rs140767058, ClinGen allele CA10062532.
Genomic context (GRCh38, chr21:44,886,794, plus strand): 5'-ACATTGTTCCACTGGGACTTGAGCTTCTCCTTCTCAAAGCGCCTGTACTCCCGGAGGTCG[C>T]TCAGGTGGATCAGAGCCTTCCAGATGACCAGCAGGAGAATGCCGATCAGCACGATGCCTG-3'
Protein context (NP_000202.3, residues 720-740): LVIWKALIHL[Ser730Asn]DLREYRRFEK